The following is an entry in ClinVar:

ClinVar aggregate classification (germline): Likely pathogenic (1 of 4 stars; one submission).

Conditions:
Autosomal recessive Alport syndrome (ATS2). Also called: ALPORT SYNDROME 2, AUTOSOMAL RECESSIVE; Alport syndrome type 2; COL4A4 Alport Syndrome and Thin Basement Membrane Nephropathy; COL4A3-Related Nephropathy. Identifiers: Orphanet 63, Orphanet 88919, MedGen C4746745, MONDO:0008762, OMIM 203780.

Submission:

Myriad Genetics, Inc.
Classification: Likely pathogenic for Autosomal recessive Alport syndrome. Last evaluated: 2020-01-29. Review status: criteria provided, single submitter. Criteria: Myriad Women's Health Autosomal Recessive and X-Linked Classification Criteria (2019). Collection method: clinical testing. Allele origin: unknown.
Comment: NM_000091.4(COL4A3):c.151A>T(K51*) is expected to be pathogenic in the context of COL4A3-related Alport syndrome. This variant is predicted to lead to an abnormal or absent protein product due to the creation of a premature termination codon in COL4A3, a gene where loss-of-function variants are known to be pathogenic. Please note: this variant was assessed in the context of healthy population screening.

NM_000091.5(COL4A3):c.151A>T (p.Lys51Ter)

Genes: COL4A3 (collagen type IV alpha 3 chain; plus strand), MFF-DT (MFF divergent transcript; minus strand). Cytogenetic location: 2q36.3.
Variant type: single nucleotide variant.
Coding change: c.151A>T on transcript NM_000091.5 (MANE Select); coding-DNA position 151, A replaced by T.
Protein change: p.Lys51Ter; replaces lysine 51 with a stop codon.
Molecular consequence: nonsense.
Genome position (GRCh38, 1-based): chr2:227,240,149, A>T. VCF-style: chr2-227240149-A-T. GRCh37 (hg19) VCF-style: chr2-228104865-A-T.
Other names: short protein forms K51*.
Identifiers: ClinVar variation 984031 (VCV000984031.3), dbSNP rs2068937789, ClinGen allele CA350859063.